The following is an entry in ClinVar:

ClinVar aggregate classification (germline): Uncertain significance. Review status: criteria provided, multiple submitters, no conflicts (2 of 4 stars). 2 submissions from 2 submitters: Uncertain significance (2). Last evaluated 2024-12-27.

Allele frequency attached by ClinVar (database versions not stated): gnomAD exomes below 0.00001; TOPMed 0.00001; ExAC 0.00002; gnomAD 0.00002.
gnomAD v4.1: 10 of 1,614,058 alleles (0.00062%); highest among the groups gnomAD compares: Non-Finnish European, 0.00085%; no homozygotes.

Submissions (2):

Ambry Genetics
Classification: Uncertain significance. Last evaluated: 2024-12-27. Review status: criteria provided, single submitter. Criteria: Ambry Variant Classification Scheme 2023. Collection method: clinical testing. Allele origin: germline.

Labcorp Genetics (formerly Invitae), Labcorp
Classification: Uncertain significance. Last evaluated: 2023-05-05. Review status: criteria provided, single submitter. Criteria: Invitae Variant Classification Sherloc (09022015). Collection method: clinical testing. Allele origin: germline.
Comment: In summary, the available evidence is currently insufficient to determine the role of this variant in disease. Therefore, it has been classified as a Variant of Uncertain Significance. Algorithms developed to predict the effect of missense changes on protein structure and function output the following: SIFT: "Not Available"; PolyPhen-2: "Benign"; Align-GVGD: "Not Available". The serine amino acid residue is found in multiple mammalian species, which suggests that this missense change does not adversely affect protein function. This variant has not been reported in the literature in individuals affected with CARD8-related conditions. This variant is present in population databases (rs749800607, gnomAD 0.006%). This sequence change replaces threonine, which is neutral and polar, with serine, which is neutral and polar, at codon 188 of the CARD8 protein (p.Thr188Ser).

NM_001184900.3(CARD8):c.713C>G (p.Thr238Ser)

Gene: CARD8 (caspase recruitment domain family member 8; minus strand). Cytogenetic location: 19q13.33.
Variant type: single nucleotide variant.
Coding change: c.713C>G on transcript NM_001184900.3 (MANE Select); coding-DNA position 713, C replaced by G.
Protein change: p.Thr238Ser; replaces threonine 238 with serine.
Molecular consequence: missense variant. On other transcripts: non-coding transcript variant (4).
Genome position (GRCh38, 1-based): chr19:48,230,836, G>C on the plus strand (C>G on the coding strand, the complement: CARD8 is on the minus strand). VCF-style: chr19-48230836-G-C. GRCh37 (hg19) VCF-style: chr19-48734093-G-C.
Other names: c.563C>G, p.Thr188Ser (NM_001351789.2, NM_014959.5, NM_001184901.1 and 2 more transcripts); c.470C>G, p.Thr157Ser (NM_001351790.2); c.398C>G, p.Thr133Ser (NM_001351791.2, NM_001351792.2, NM_001365950.1 and 2 more transcripts); c.-110C>G (NM_001426741.1); c.713C>G, p.Thr238Ser (NM_001184902.2, NM_001184903.1, NM_001351782.2); c.377C>G, p.Thr126Ser (NM_001351786.2); c.713C>G (NM_001184900.1); short protein forms T188S, T238S, T126S, T157S, T133S.
Identifiers: ClinVar variation 2985783 (VCV002985783.4), dbSNP rs749800607, ClinGen allele CA9547945.